The following is an entry in ClinVar:

NM_001378964.1(CDON):c.1041C>T (p.His347=)

Gene: CDON (cell adhesion associated, oncogene regulated; minus strand). Cytogenetic location: 11q24.2.
Variant type: single nucleotide variant.
Coding change: c.1041C>T on transcript NM_001378964.1 (MANE Select); coding-DNA position 1041, C replaced by T.
Protein change: p.His347=; no amino-acid change (histidine 347 retained).
Molecular consequence: synonymous variant.
Genome position (GRCh38, 1-based): chr11:126,015,398, G>A on the plus strand (C>T on the coding strand, the complement: CDON is on the minus strand). VCF-style: chr11-126015398-G-A. GRCh37 (hg19) VCF-style: chr11-125885293-G-A.
Other names: c.1041C>T, p.His347= (NM_001243597.3, NM_016952.6).
Identifiers: ClinVar variation 775015 (VCV000775015.15), dbSNP rs201963480, ClinGen allele CA6352174.
Genomic context (GRCh38, chr11:126,015,398, plus strand): 5'-GATTTTCAGTCCGTTTCCTGCAGTTAGATGTCGTGCAGAAGGATGAATAGGCTGTGCATT[G>A]TGAAACCAGGTACAGTTGGGGGCTGGGTTCCCATGAACGTCGCAGGTAAAGTGTACTGTG-3'
Protein context (NP_001365893.1, residues 337-357): GNPAPNCTWF[His347=]NAQPIHPSAR

ClinVar aggregate classification (germline): Likely benign. Review status: criteria provided, multiple submitters, no conflicts (2 of 4 stars). 5 submissions from 5 submitters: Likely benign (4). 1 of the submissions does not count toward it. Last evaluated 2026-01-19.

Conditions:
Holoprosencephaly 11 (HPE11). Identifiers: Orphanet 2162, MedGen C3280215, MONDO:0013642, OMIM 614226.
CDON-related disorder. Also called: CDON-related condition.

Allele frequency attached by ClinVar (database versions not stated): ESP Exome Variant Server 0.00023; ExAC 0.00031; gnomAD 0.00031; TOPMed 0.00041.
gnomAD v4.1: 393 of 1,614,050 alleles (0.024%); highest among the groups gnomAD compares: Middle Eastern, 0.21%; 1 homozygote.

Submissions (5):

Labcorp Genetics (formerly Invitae), Labcorp
Classification: Likely benign for Holoprosencephaly 11. Last evaluated: 2026-01-19. Review status: criteria provided, single submitter. Criteria: Invitae Variant Classification Sherloc (09022015). Collection method: clinical testing. Allele origin: germline.

Blueprint Genetics
Classification: Likely benign. Last evaluated: 2024-11-11. Review status: criteria provided, single submitter. Criteria: ACMG Guidelines, 2015. Collection method: clinical testing. Allele origin: germline.

Illumina Laboratory Services, Illumina
Classification: Likely benign for Holoprosencephaly 11. Last evaluated: 2018-01-13. Review status: criteria provided, single submitter. Criteria: ICSL Variant Classification Criteria 13 December 2019. Collection method: clinical testing. Allele origin: germline.
Comment: This variant was observed in the ICSL laboratory as part of a predisposition screen in an ostensibly healthy population. It had not been previously curated by ICSL or reported in the Human Gene Mutation Database (HGMD: prior to June 1st, 2018), and was therefore a candidate for classification through an automated scoring system. Utilizing variant allele frequency, disease prevalence and penetrance estimates, and inheritance mode, an automated score was calculated to assess if this variant is too frequent to cause the disease. Based on the score and internal cut-off values, a variant classified as likely benign is not then subjected to further curation. The score for this variant resulted in a classification of likely benign for this disease.

Breakthrough Genomics
Classification: Likely benign. Review status: criteria provided, single submitter. Criteria: ACMG Guidelines, 2015. Collection method: not provided. Allele origin: germline. Inheritance: Autosomal dominant inheritance. Affected: yes.

PreventionGenetics, part of Exact Sciences
Classification: Likely benign for CDON-related condition. Last evaluated: 2019-04-29. Review status: no assertion criteria provided. Collection method: clinical testing. Allele origin: germline. Not counted in ClinVar's aggregate classification.
Comment: This variant is classified as likely benign based on ACMG/AMP sequence variant interpretation guidelines (Richards et al. 2015 PMID: 25741868, with internal and published modifications).